The following is an entry in ClinVar:

NM_139318.5(KCNH5):c.2065C>T (p.Arg689Cys)

Gene: KCNH5 (potassium voltage-gated channel subfamily H member 5; minus strand). Cytogenetic location: 14q23.2.
Variant type: single nucleotide variant.
Coding change: c.2065C>T on transcript NM_139318.5 (MANE Select); coding-DNA position 2065, C replaced by T.
Protein change: p.Arg689Cys; replaces arginine 689 with cysteine.
Molecular consequence: missense variant. On other transcripts: 3 prime UTR variant (1).
Genome position (GRCh38, 1-based): chr14:62,708,410, G>A on the plus strand (C>T on the coding strand, the complement: KCNH5 is on the minus strand). VCF-style: chr14-62708410-G-A. GRCh37 (hg19) VCF-style: chr14-63175128-G-A.
Other names: c.*32C>T (NM_172375.3); short protein forms R689C.
Identifiers: ClinVar variation 4704270 (VCV004704270.1).
Genomic context (GRCh38, chr14:62,708,410, plus strand): 5'-GCTTTCTGACTGGGTGGTCCACGGGAATGCTGAGGGTCACCTCATTCTTCTGCCGGAGGC[G>A]CTCCTCCTCCTCTTTCTTCACATCACTGATCTTACGAAAGATGATCTGTGGAACGGGAGA-3'
Protein context (NP_647479.2, residues 679-699): ISDVKKEEEE[Arg689Cys]LRQKNEVTLS

ClinVar aggregate classification (germline): Uncertain significance (1 of 4 stars; one submission).

Conditions:
Early-infantile DEE. Also called: Early infantile epileptic encephalopathy with suppression bursts; Ohtahara syndrome; Early infantile epileptic encephalopathy. Identifiers: Orphanet 1934, MedGen C0393706, MONDO:0800491.

gnomAD v4.1: 2 of 1,608,904 alleles (0.00012%); highest among the groups gnomAD compares: Non-Finnish European, 0.00017%; no homozygotes.

Submission:

Labcorp Genetics (formerly Invitae), Labcorp
Classification: Uncertain significance for Early-infantile DEE. Last evaluated: 2025-06-18. Review status: criteria provided, single submitter. Criteria: Invitae Variant Classification Sherloc (09022015). Collection method: clinical testing. Allele origin: germline.
Comment: This sequence change replaces arginine, which is basic and polar, with cysteine, which is neutral and slightly polar, at codon 689 of the KCNH5 protein (p.Arg689Cys). This variant is not present in population databases (gnomAD no frequency). This variant has not been reported in the literature in individuals affected with KCNH5-related conditions. Invitae Evidence Modeling of protein sequence and biophysical properties (such as structural, functional, and spatial information, amino acid conservation, physicochemical variation, residue mobility, and thermodynamic stability) indicates that this missense variant is not expected to disrupt KCNH5 protein function with a negative predictive value of 95%. In summary, the available evidence is currently insufficient to determine the role of this variant in disease. Therefore, it has been classified as a Variant of Uncertain Significance.